The following is an entry in ClinVar:

ClinVar aggregate classification (germline): Pathogenic/Likely pathogenic. Review status: criteria provided, multiple submitters, no conflicts (2 of 4 stars). 3 submissions from 3 submitters: Pathogenic (2); Likely pathogenic (1). Last evaluated 2026-05-13.

Conditions:
Vitelliform macular dystrophy 2. Also called: Best Macular Dystrophy; Best Vitelliform Macular Dystrophy (BVMD); MACULAR DEGENERATION, POLYMORPHIC VITELLINE; VITELLIFORM MACULAR DYSTROPHY, EARLY-ONSET; VITELLIFORM MACULAR DYSTROPHY, JUVENILE-ONSET; Best vitelliform macular dystrophy, multifocal. Identifiers: Orphanet 1243, MedGen C2745945, MONDO:0007931, OMIM 153700.
Retinal dystrophy. Also called: Inherited retinal dystrophy. Identifiers: Orphanet 71862, MedGen C0854723, MeSH D058499, MONDO:0019118, HP:0000556.

Submissions (3):

Institute of Human Genetics, Heidelberg University
Classification: Pathogenic for Vitelliform macular dystrophy 2. Last evaluated: 2026-05-13. Review status: criteria provided, single submitter. Criteria: ACMG Guidelines, 2015. Collection method: clinical testing. Allele origin: unknown. Affected: yes. Observed: 1 variant allele.
Comment: PM2_supp, PP3_strong, PS4_supp, PM5_mod, PP4_strong

Labcorp Genetics (formerly Invitae), Labcorp
Classification: Pathogenic. Last evaluated: 2021-11-03. Review status: criteria provided, single submitter. Criteria: Invitae Variant Classification Sherloc (09022015). Collection method: clinical testing. Allele origin: germline.
Comment: For these reasons, this variant has been classified as Pathogenic. This sequence change replaces threonine, which is neutral and polar, with serine, which is neutral and polar, at codon 237 of the BEST1 protein (p.Thr237Ser). This variant is not present in population databases (gnomAD no frequency). This missense change has been observed in individuals with autosomal dominant BEST1-related conditions (PMID: 16612637). It has also been observed to segregate with disease in related individuals. Advanced modeling of protein sequence and biophysical properties (such as structural, functional, and spatial information, amino acid conservation, physicochemical variation, residue mobility, and thermodynamic stability) performed at Invitae indicates that this missense variant is expected to disrupt BEST1 protein function. This variant disrupts the p.Thr237 amino acid residue in BEST1. Other variant(s) that disrupt this residue have been observed in individuals with BEST1-related conditions (PMID: 16612637), which suggests that this may be a clinically significant amino acid residue.

Institute of Human Genetics, Univ. Regensburg, Univ. Regensburg
Classification: Likely pathogenic for Retinal dystrophy. Last evaluated: 2016-01-01. Review status: criteria provided, single submitter. Criteria: ACMG Guidelines, 2015. Collection method: clinical testing. Allele origin: germline. Affected: yes.

Literature cited by the submitters: PubMed 16612637 (cited by Labcorp Genetics (formerly Invitae), Labcorp and Institute of Human Genetics, Univ. Regensburg, Univ. Regensburg).

NM_004183.4(BEST1):c.709A>T (p.Thr237Ser)

Gene: BEST1 (bestrophin 1; plus strand). Cytogenetic location: 11q12.3.
Variant type: single nucleotide variant.
Coding change: c.709A>T on transcript NM_004183.4 (MANE Select); coding-DNA position 709, A replaced by T.
Protein change: p.Thr237Ser; replaces threonine 237 with serine.
Molecular consequence: missense variant. On other transcripts: non-coding transcript variant (1).
Genome position (GRCh38, 1-based): chr11:61,957,459, A>T. VCF-style: chr11-61957459-A-T. GRCh37 (hg19) VCF-style: chr11-61724931-A-T.
Other names: c.529A>T, p.Thr177Ser (NM_001139443.3, NM_001300786.2, NM_001300787.2); c.391A>T, p.Thr131Ser (NM_001363591.3); c.709A>T, p.Thr237Ser (NM_001363592.2); c.-467A>T (NM_001363593.3); short protein forms T131S, T237S, T177S.
Identifiers: ClinVar variation 1457853 (VCV001457853.8), dbSNP rs2134440586, ClinGen allele CA380838932.